The following is an entry in ClinVar:

ClinVar aggregate classification (germline): Pathogenic (1 of 4 stars; one submission).

Conditions:
Early-infantile DEE. Also called: Ohtahara syndrome; Early infantile epileptic encephalopathy with suppression bursts; Early infantile epileptic encephalopathy. Identifiers: Orphanet 1934, MedGen C0393706, MONDO:0800491.

Submission:

Labcorp Genetics (formerly Invitae), Labcorp
Classification: Pathogenic for Early-infantile DEE. Last evaluated: 2019-04-23. Review status: criteria provided, single submitter. Criteria: Invitae Variant Classification Sherloc (09022015). Collection method: clinical testing. Allele origin: germline.
Comment: Algorithms developed to predict the effect of missense changes on protein structure and function (SIFT, PolyPhen-2, Align-GVGD) all suggest that this variant is likely to be disruptive, but these predictions have not been confirmed by published functional studies and their clinical significance is uncertain. This variant has been observed to be de novo in several individuals affected with clinical features consistent with an SCN1A-related condition (PMID: 23821540, Invitae). This variant is not present in population databases (ExAC no frequency). This sequence change replaces tyrosine with cysteine at codon 325 of the SCN1A protein (p.Tyr325Cys). The tyrosine residue is highly conserved and there is a large physicochemical difference between tyrosine and cysteine. For these reasons, this variant has been classified as Pathogenic.

Literature cited by the submitters: PubMed 23821540.

NM_001165963.4(SCN1A):c.974A>G (p.Tyr325Cys)

Gene: SCN1A (sodium voltage-gated channel alpha subunit 1; minus strand). Cytogenetic location: 2q24.3.
Variant type: single nucleotide variant.
Coding change: c.974A>G on transcript NM_001165963.4 (MANE Select); coding-DNA position 974, A replaced by G.
Protein change: p.Tyr325Cys; replaces tyrosine 325 with cysteine.
Molecular consequence: missense variant. On other transcripts: 5 prime UTR variant (1), non-coding transcript variant (1).
Genome position (GRCh38, 1-based): chr2:166,048,940, T>C on the plus strand (A>G on the coding strand, the complement: SCN1A is on the minus strand). VCF-style: chr2-166048940-T-C. GRCh37 (hg19) VCF-style: chr2-166905450-T-C.
Other names: c.974A>G, p.Tyr325Cys (NM_001165964.3, NM_001202435.3, NM_001353948.2 and 10 more transcripts); c.-1452A>G (NM_001353961.2); short protein forms Y325C.
Identifiers: ClinVar variation 855077 (VCV000855077.10), dbSNP rs1698192456, ClinGen allele CA349071768.